The following is an entry in ClinVar:

NM_017654.4(SAMD9):c.3575A>G (p.Tyr1192Cys)

Gene: SAMD9 (sterile alpha motif domain containing 9; minus strand). Cytogenetic location: 7q21.2.
Variant type: single nucleotide variant.
Coding change: c.3575A>G on transcript NM_017654.4 (MANE Select); coding-DNA position 3575, A replaced by G.
Protein change: p.Tyr1192Cys; replaces tyrosine 1192 with cysteine.
Molecular consequence: missense variant.
Genome position (GRCh38, 1-based): chr7:93,102,523, T>C on the plus strand (A>G on the coding strand, the complement: SAMD9 is on the minus strand). VCF-style: chr7-93102523-T-C. GRCh37 (hg19) VCF-style: chr7-92731836-T-C.
Other names: c.3575A>G, p.Tyr1192Cys (NM_001193307.2); short protein forms Y1192C.
Identifiers: ClinVar variation 1712867 (VCV001712867.2), dbSNP rs2535355486, ClinGen allele CA368184275.

ClinVar aggregate classification (germline): Uncertain significance (1 of 4 stars; one submission).

Submission:

GeneDx
Classification: Uncertain significance. Last evaluated: 2022-04-28. Review status: criteria provided, single submitter. Criteria: GeneDx Variant Classification Process June 2021. Collection method: clinical testing. Allele origin: germline. Affected: yes.
Comment: Not observed at significant frequency in large population cohorts (gnomAD); In silico analysis supports that this missense variant has a deleterious effect on protein structure/function; Has not been previously published as pathogenic or benign to our knowledge